The following is an entry in ClinVar:

ClinVar aggregate classification (germline): Uncertain significance. Review status: criteria provided, multiple submitters, no conflicts (2 of 4 stars). 2 submissions from 2 submitters: Uncertain significance (2). Last evaluated 2024-06-23.

Conditions:
Hereditary cancer-predisposing syndrome. Also called: Hereditary Cancer Syndrome; Tumor predisposition; Neoplastic Syndromes, Hereditary; Hereditary neoplastic syndrome. Identifiers: Orphanet 140162, MedGen C0027672, MeSH D009386, MONDO:0015356.
Familial adenomatous polyposis 1 (FAP1). Also called: FAMILIAL ADENOMATOUS POLYPOSIS 1, ATTENUATED; POLYPOSIS, ADENOMATOUS INTESTINAL. Identifiers: MedGen C2713442, MONDO:0021056, OMIM 175100. Disease mechanism: loss of function.

Submissions (2):

Ambry Genetics
Classification: Uncertain significance for Hereditary cancer-predisposing syndrome. Last evaluated: 2024-06-23. Review status: criteria provided, single submitter. Criteria: Ambry Variant Classification Scheme 2023. Collection method: clinical testing. Allele origin: germline.
Comment: The p.P2681Q variant (also known as c.8042C>A), located in coding exon 15 of the APC gene, results from a C to A substitution at nucleotide position 8042. The proline at codon 2681 is replaced by glutamine, an amino acid with similar properties. This amino acid position is conserved. In addition, in silico predictors for this gene do not accurately predict pathogenicity. Based on the available evidence, the clinical significance of this variant remains unclear.

Labcorp Genetics (formerly Invitae), Labcorp
Classification: Uncertain significance for Familial adenomatous polyposis 1. Last evaluated: 2020-10-06. Review status: criteria provided, single submitter. Criteria: Invitae Variant Classification Sherloc (09022015). Collection method: clinical testing. Allele origin: germline.
Comment: This variant is not present in population databases (ExAC no frequency). This sequence change replaces proline with glutamine at codon 2681 of the APC protein (p.Pro2681Gln). The proline residue is highly conserved and there is a moderate physicochemical difference between proline and glutamine. This variant has not been reported in the literature in individuals with APC-related conditions. In summary, the available evidence is currently insufficient to determine the role of this variant in disease. Therefore, it has been classified as a Variant of Uncertain Significance. Algorithms developed to predict the effect of sequence changes on RNA splicing suggest that this variant may create or strengthen a splice site, but this prediction has not been confirmed by published transcriptional studies. Algorithms developed to predict the effect of missense changes on protein structure and function (SIFT, PolyPhen-2, Align-GVGD) all suggest that this variant is likely to be disruptive, but these predictions have not been confirmed by published functional studies and their clinical significance is uncertain.

NM_000038.6(APC):c.8042C>A (p.Pro2681Gln)

Gene: APC (APC regulator of Wnt signaling pathway; plus strand). Cytogenetic location: 5q22.2.
Variant type: single nucleotide variant.
Coding change: c.8042C>A on transcript NM_000038.6 (MANE Select); coding-DNA position 8042, C replaced by A.
Protein change: p.Pro2681Gln; replaces proline 2681 with glutamine.
Molecular consequence: missense variant.
Genome position (GRCh38, 1-based): chr5:112,843,636, C>A. VCF-style: chr5-112843636-C-A. GRCh37 (hg19) VCF-style: chr5-112179333-C-A.
Other names: c.8042C>A (NM_000038.5); c.8042C>A, p.Pro2681Gln (NM_001127510.3, NM_001354895.2); c.7988C>A, p.Pro2663Gln (NM_001127511.3); c.8096C>A, p.Pro2699Gln (NM_001354896.2); c.8072C>A, p.Pro2691Gln (NM_001354897.2); c.7967C>A, p.Pro2656Gln (NM_001354898.2); c.7958C>A, p.Pro2653Gln (NM_001354899.2); c.7919C>A, p.Pro2640Gln (NM_001354900.2); and 6 more; short protein forms P2398Q, P2521Q, P2555Q, P2580Q, P2590Q, P2622Q, P2640Q, P2653Q.
Identifiers: ClinVar variation 1014200 (VCV001014200.49), dbSNP rs182456139, ClinGen allele CA16038792.